The following is an entry in ClinVar:

NM_006922.4(SCN3A):c.1485T>G (p.Ser495Arg)

Gene: SCN3A (sodium voltage-gated channel alpha subunit 3; minus strand). Cytogenetic location: 2q24.3.
Variant type: single nucleotide variant.
Coding change: c.1485T>G on transcript NM_006922.4 (MANE Select); coding-DNA position 1485, T replaced by G.
Protein change: p.Ser495Arg; replaces serine 495 with arginine.
Molecular consequence: missense variant.
Genome position (GRCh38, 1-based): chr2:165,146,925, A>C on the plus strand (T>G on the coding strand, the complement: SCN3A is on the minus strand). VCF-style: chr2-165146925-A-C. GRCh37 (hg19) VCF-style: chr2-166003435-A-C.
Other names: NC_000002.12(NM_006922.4):c.1485T>G; NM_006922.4(NP_008853.3):p.(Ser495Arg); NM_006922.4(SCN3A):p.(Ser495Arg); c.1485T>G, p.Ser495Arg (NM_001081676.2, NM_001081677.2); short protein forms S495R.
Identifiers: ClinVar variation 1333721 (VCV001333721.2), dbSNP rs2105834282, ClinGen allele CA349236656.

ClinVar aggregate classification (germline): Uncertain significance. Review status: criteria provided, multiple submitters, no conflicts (2 of 4 stars). 2 submissions from 2 submitters: Uncertain significance (2). Last evaluated 2026-07-01.

Conditions:
Epilepsy, idiopathic generalized, susceptibility to, 7. Also called: Epilepsy, idiopathic generalized 7; EIG7. Identifiers: Orphanet 307, MedGen C2751729, MONDO:0011491, OMIM 604827.

gnomAD v4.1: 1 of 1,613,880 alleles (0.000062%); highest among the groups gnomAD compares: Non-Finnish European, 0.000085%; no homozygotes.

Submissions (2):

CeGaT Center for Human Genetics Tuebingen
Classification: Uncertain significance. Last evaluated: 2026-07-01. Review status: criteria provided, single submitter. Criteria: CeGaT Center For Human Genetics Tuebingen Variant Classification Criteria Version 2. Collection method: clinical testing. Allele origin: germline. Affected: yes. Observed: 1 variant allele.
Comment: SCN3A: PM2, PP3

Experimental Epileptology, AG Lerche, Hertie Institute for Clinical Brain Research
Classification: Uncertain significance for Juvenile myoclonic epilepsy. Last evaluated: 2022-01-02. Review status: criteria provided, single submitter. Criteria: ACMG Guidelines, 2015. Collection method: research. Allele origin: paternal. Affected: yes.
Comment: ACMG/AMP criteria: PM2, PP2, PP3, BS4